The following is an entry in ClinVar:

ClinVar aggregate classification (germline): Uncertain significance (1 of 4 stars; one submission).

Conditions:
Developmental and epileptic encephalopathy. Identifiers: MedGen C5779964, MONDO:0100620.

Allele frequency attached by ClinVar (database versions not stated): gnomAD 0.00001; gnomAD exomes 0.00001; TOPMed 0.00001.
gnomAD v4.1: 9 of 1,613,516 alleles (0.00056%); highest among the groups gnomAD compares: South Asian, 0.0011%; no homozygotes.

Submission:

Labcorp Genetics (formerly Invitae), Labcorp
Classification: Uncertain significance for Early infantile epileptic encephalopathy with suppression bursts. Last evaluated: 2019-11-21. Review status: criteria provided, single submitter. Criteria: Invitae Variant Classification Sherloc (09022015). Collection method: clinical testing. Allele origin: germline.
Comment: This sequence change replaces proline with arginine at codon 797 of the CACNA2D2 protein (p.Pro797Arg). The proline residue is highly conserved and there is a moderate physicochemical difference between proline and arginine. This variant is not present in population databases (ExAC no frequency). This variant has not been reported in the literature in individuals with CACNA2D2-related conditions. Algorithms developed to predict the effect of missense changes on protein structure and function are either unavailable or do not agree on the potential impact of this missense change (SIFT: "Deleterious"; PolyPhen-2: "Probably Damaging"; Align-GVGD: "Class C0"). In summary, the available evidence is currently insufficient to determine the role of this variant in disease. Therefore, it has been classified as a Variant of Uncertain Significance.

NM_006030.4(CACNA2D2):c.2390C>G (p.Pro797Arg)

Genes: CACNA2D2 (calcium voltage-gated channel auxiliary subunit alpha2delta 2; minus strand), LOC101928965 (uncharacterized LOC101928965; plus strand), LOC127898564 (CYB561D2-LOC101928965; plus strand). Cytogenetic location: 3p21.31.
Variant type: single nucleotide variant.
Coding change: c.2390C>G on transcript NM_006030.4 (MANE Select); coding-DNA position 2390, C replaced by G.
Protein change: p.Pro797Arg; replaces proline 797 with arginine.
Molecular consequence: missense variant.
Genome position (GRCh38, 1-based): chr3:50,367,405, G>C on the plus strand (C>G on the coding strand, the complement: CACNA2D2 is on the minus strand). VCF-style: chr3-50367405-G-C. GRCh37 (hg19) VCF-style: chr3-50404836-G-C.
Other names: c.2390C>G, p.Pro797Arg (NM_001005505.3); c.2411C>G, p.Pro804Arg (NM_001174051.3); c.2183C>G, p.Pro728Arg (NM_001291101.1); short protein forms P797R, P804R, P728R.
Identifiers: ClinVar variation 852282 (VCV000852282.2), dbSNP rs1352950797, ClinGen allele CA352912889.